The following is an entry in ClinVar:

ClinVar aggregate classification (germline): Uncertain significance. Review status: criteria provided, multiple submitters, no conflicts (2 of 4 stars). 3 submissions from 3 submitters: Uncertain significance (3). Last evaluated 2025-08-09.

Conditions:
Inborn genetic diseases. Identifiers: MedGen C0950123, MeSH D030342.
Combined immunodeficiency due to LRBA deficiency. Also called: Common variable immunodeficiency 8, with autoimmunity. Identifiers: Orphanet 445018, MedGen C3553512, MONDO:0013863, OMIM 614700.

Allele frequency attached by ClinVar (database versions not stated): gnomAD exomes below 0.00001 and 0.00001; ExAC 0.00001; gnomAD 0.00004; TOPMed 0.00006.
gnomAD v4.1: 12 of 1,594,636 alleles (0.00075%); highest among the groups gnomAD compares: African/African-American, 0.015%; no homozygotes.

Submissions (3):

Ambry Genetics
Classification: Uncertain significance for Inborn genetic diseases. Last evaluated: 2025-08-09. Review status: criteria provided, single submitter. Criteria: Ambry Variant Classification Scheme 2023. Collection method: clinical testing. Allele origin: germline.

Labcorp Genetics (formerly Invitae), Labcorp
Classification: Uncertain significance for Combined immunodeficiency due to LRBA deficiency. Last evaluated: 2022-07-12. Review status: criteria provided, single submitter. Criteria: Invitae Variant Classification Sherloc (09022015). Collection method: clinical testing. Allele origin: germline.
Comment: This variant has not been reported in the literature in individuals affected with LRBA-related conditions. In summary, the available evidence is currently insufficient to determine the role of this variant in disease. Therefore, it has been classified as a Variant of Uncertain Significance. Algorithms developed to predict the effect of missense changes on protein structure and function (SIFT, PolyPhen-2, Align-GVGD) all suggest that this variant is likely to be tolerated. ClinVar contains an entry for this variant (Variation ID: 643414). This variant is present in population databases (rs777084152, gnomAD 0.02%). This sequence change replaces isoleucine, which is neutral and non-polar, with serine, which is neutral and polar, at codon 2631 of the LRBA protein (p.Ile2631Ser).

GeneDx
Classification: Uncertain significance. Last evaluated: 2019-12-17. Review status: criteria provided, single submitter. Criteria: GeneDx Variant Classification Process June 2021. Collection method: clinical testing. Allele origin: germline. Affected: yes.
Comment: In silico analysis, which includes protein predictors and evolutionary conservation, supports that this variant does not alter protein structure/function; Has not been previously published as pathogenic or benign to our knowledge

NM_001364905.1(LRBA):c.7859T>G (p.Ile2620Ser)

Gene: LRBA (LPS responsive beige-like anchor protein; minus strand). Cytogenetic location: 4q31.3.
Variant type: single nucleotide variant.
Coding change: c.7859T>G on transcript NM_001364905.1 (MANE Select); coding-DNA position 7859, T replaced by G.
Protein change: p.Ile2620Ser; replaces isoleucine 2620 with serine.
Molecular consequence: missense variant.
Genome position (GRCh38, 1-based): chr4:150,302,783, A>C on the plus strand (T>G on the coding strand, the complement: LRBA is on the minus strand). VCF-style: chr4-150302783-A-C. GRCh37 (hg19) VCF-style: chr4-151223935-A-C.
Other names: c.7859T>G, p.Ile2620Ser (NM_001199282.3); c.7874T>G, p.Ile2625Ser (NM_001367550.1); c.7892T>G, p.Ile2631Ser (NM_006726.5); short protein forms I2631S, I2625S, I2620S.
Identifiers: ClinVar variation 643414 (VCV000643414.9), dbSNP rs777084152, ClinGen allele CA3101501.